The following is an entry in ClinVar:

ClinVar aggregate classification (germline): Uncertain significance (1 of 4 stars; one submission).

Conditions:
PCNT-related disorder. Also called: PCNT-related condition.

gnomAD v4.1: 17 of 1,613,856 alleles (0.0011%); highest among the groups gnomAD compares: East Asian, 0.0045%; no homozygotes.

Submission:

PreventionGenetics, part of Exact Sciences
Classification: Uncertain significance for PCNT-related condition. Last evaluated: 2025-08-20. Review status: criteria provided, single submitter. Criteria: ACMG Guidelines, 2015. Collection method: clinical testing. Allele origin: germline.
Comment: The PCNT c.2860G>A variant is predicted to result in the amino acid substitution p.Ala954Thr. To our knowledge, this variant has not been reported in the literature. This variant is reported in 0.010% of alleles in individuals of East Asian descent in gnomAD. At this time, the clinical significance of this variant is uncertain due to the absence of conclusive functional and genetic evidence.

NM_006031.6(PCNT):c.2860G>A (p.Ala954Thr)

Gene: PCNT (pericentrin; plus strand). Cytogenetic location: 21q22.3.
Variant type: single nucleotide variant.
Coding change: c.2860G>A on transcript NM_006031.6 (MANE Select); coding-DNA position 2860, G replaced by A.
Protein change: p.Ala954Thr; replaces alanine 954 with threonine.
Molecular consequence: missense variant.
Genome position (GRCh38, 1-based): chr21:46,366,834, G>A. VCF-style: chr21-46366834-G-A. GRCh37 (hg19) VCF-style: chr21-47786749-G-A.
Other names: c.2506G>A, p.Ala836Thr (NM_001315529.2); short protein forms A954T, A836T.
Identifiers: ClinVar variation 4978256 (VCV004978256.1).